The following is an entry in ClinVar:

ClinVar aggregate classification (germline): Likely pathogenic. Review status: criteria provided, multiple submitters, no conflicts (2 of 4 stars). 2 submissions from 2 submitters: Likely pathogenic (2). Last evaluated 2025-12-17.

Conditions:
Hydrolethalus syndrome 1 (HLS1). Identifiers: Orphanet 2189, MedGen C1856016, MONDO:0009365, OMIM 236680.
Hydrolethalus syndrome. Identifiers: Orphanet 2189, MedGen C2931104, MONDO:0006037.

gnomAD v4.1: 15 of 1,614,004 alleles (0.00093%); highest among the groups gnomAD compares: Admixed American, 0.017%; no homozygotes.

Submissions (2):

Natera, Inc.
Classification: Likely pathogenic for Hydrolethalus syndrome. Last evaluated: 2025-12-17. Review status: criteria provided, single submitter. Criteria: Natera Variant Classification Schema (03/2026). Collection method: clinical testing. Allele origin: germline.
Comment: The c.181C>T variant in HYLS1 is a nonsense variant predicted to introduce a stop codon at amino acid 61. This variant is expected to result in nonsense mediated decay, truncation, or a dysfunctional protein product. This variant is rare in the general population with a frequency below the threshold expected for the associated phenotype(s). Given the available evidence, this variant is classified as Likely Pathogenic.

Fulgent Genetics
Classification: Likely pathogenic for Hydrolethalus syndrome 1. Last evaluated: 2024-04-25. Review status: criteria provided, single submitter. Criteria: ACMG Guidelines, 2015. Collection method: clinical testing. Allele origin: germline.

NM_001134793.2(HYLS1):c.181C>T (p.Arg61Ter)

Genes: HYLS1 (HYLS1 centriolar and ciliogenesis associated; plus strand), PUS3 (pseudouridine synthase 3; minus strand). Cytogenetic location: 11q24.2.
Variant type: single nucleotide variant.
Coding change: c.181C>T on transcript NM_001134793.2 (MANE Select); coding-DNA position 181, C replaced by T.
Protein change: p.Arg61Ter; replaces arginine 61 with a stop codon.
Molecular consequence: nonsense. On other transcripts: intron variant (2).
Genome position (GRCh38, 1-based): chr11:125,899,549, C>T. VCF-style: chr11-125899549-C-T. GRCh37 (hg19) VCF-style: chr11-125769444-C-T.
Other names: c.181C>T, p.Arg61Ter (NM_001377269.1, NM_001377270.1, NM_001424364.1 and 1 more transcripts); c.-247+3621G>A (NM_001271985.2); c.-46-3219G>A (NM_031307.4); c.181C>T (NM_145014.2); short protein forms R61*.
Identifiers: ClinVar variation 3599136 (VCV003599136.2).
Genomic context (GRCh38, chr11:125,899,549, plus strand): 5'-AGAGAAGCCCAATCTATCCAATATGATCCCTACAGTAAAGCTTCAGTAGCCCCAGGGAAG[C>T]GACCTGCTCTTCCTGTGCAACTACAGTACCCACATGTAGAAAGTAATGTCCCTTCAGAAA-3'